The following is an entry in ClinVar:

NM_153252.5(BRWD3):c.5286T>G (p.Asp1762Glu)

Gene: BRWD3 (bromodomain and WD repeat domain containing 3; minus strand). Cytogenetic location: Xq21.1.
Variant type: single nucleotide variant.
Coding change: c.5286T>G on transcript NM_153252.5 (MANE Select); coding-DNA position 5286, T replaced by G.
Protein change: p.Asp1762Glu; replaces aspartic acid 1762 with glutamic acid.
Molecular consequence: missense variant.
Genome position (GRCh38, 1-based): chrX:80,676,732, A>C on the plus strand (T>G on the coding strand, the complement: BRWD3 is on the minus strand). VCF-style: chrX-80676732-A-C. GRCh37 (hg19) VCF-style: chrX-79932231-A-C.
Other names: short protein forms D1762E.
Identifiers: ClinVar variation 3776516 (VCV003776516.1).

ClinVar aggregate classification (germline): Uncertain significance (1 of 4 stars; one submission).

Submission:

GeneDx
Classification: Uncertain significance. Last evaluated: 2024-09-28. Review status: criteria provided, single submitter. Criteria: GeneDx Variant Classification Process June 2021. Collection method: clinical testing. Allele origin: germline. Affected: yes.
Comment: Not observed at significant frequency in large population cohorts (gnomAD); In silico analysis indicates that this missense variant does not alter protein structure/function; Has not been previously published as pathogenic or benign to our knowledge